The following is an entry in ClinVar:

ClinVar aggregate classification (germline): Uncertain significance (1 of 4 stars; one submission).

Conditions:
Glycogen storage disease, type II (IOPD). Also called: Pompe Disease; CARDIOMEGALIA GLYCOGENICA DIFFUSA; GLYCOGENOSIS, GENERALIZED, CARDIAC FORM; GSD II; POMPE DISEASE, INFANTILE-ONSET; GLYCOGEN STORAGE DISEASE II, INFANTILE-ONSET. Identifiers: Orphanet 365, MedGen C0017921, MONDO:0009290, OMIM 232300.

Submission:

Genomenon, Inc
Classification: Uncertain significance for Glycogen storage disease, type II. Last evaluated: 2026-07-01. Review status: criteria provided, single submitter. Criteria: Genomenon Sequence Variant Interpretation Standards - Updated. Collection method: curation. Allele origin: germline.
Comment: GAA p.Leu641Val (c.1921C>G) is a missense variant that changes the amino acid at codon 641 from Leucine to Valine. This variant has been reported in the compound heterozygous and/or homozygous state in an individual without a confirmed diagnosis of Pompe disease (PMID:25681614). It is absent or not present at a significant frequency in gnomAD. In conclusion, we classify GAA p.Leu641Val (c.1921C>G) as a variant of uncertain significance.

Literature cited by the submitters: PubMed 25681614.

NM_000152.5(GAA):c.1921C>G (p.Leu641Val)

Gene: GAA (alpha glucosidase; plus strand). Cytogenetic location: 17q25.3.
Variant type: single nucleotide variant.
Coding change: c.1921C>G on transcript NM_000152.5 (MANE Select); coding-DNA position 1921, C replaced by G.
Protein change: p.Leu641Val; replaces leucine 641 with valine.
Molecular consequence: missense variant.
Genome position (GRCh38, 1-based): chr17:80,112,908, C>G. VCF-style: chr17-80112908-C-G. GRCh37 (hg19) VCF-style: chr17-78086707-C-G.
Other names: c.1921C>G, p.Leu641Val (NM_001079803.3, NM_001079804.3, NM_001406741.1 and 1 more transcripts); short protein forms L641V.
Identifiers: ClinVar variation 4876586 (VCV004876586.1).